The following is an entry in ClinVar:

NM_004211.5(SLC6A5):c.1530T>G (p.Ser510Arg)

Gene: SLC6A5 (solute carrier family 6 member 5; plus strand). Cytogenetic location: 11p15.1.
Variant type: single nucleotide variant.
Coding change: c.1530T>G on transcript NM_004211.5 (MANE Select); coding-DNA position 1530, T replaced by G.
Protein change: p.Ser510Arg; replaces serine 510 with arginine.
Molecular consequence: missense variant.
Genome position (GRCh38, 1-based): chr11:20,630,721, T>G. VCF-style: chr11-20630721-T-G. GRCh37 (hg19) VCF-style: chr11-20652267-T-G.
Other names: C1274T; c.828T>G, p.Ser276Arg (NM_001318369.2); short protein forms S510R, S276R.
Identifiers: ClinVar variation 31540 (VCV000031540.5), dbSNP rs281864926, ClinGen allele CA342798.

ClinVar aggregate classification (germline): Pathogenic. Review status: no assertion criteria provided (0 of 4 stars). 2 submissions from 2 submitters: Pathogenic (2). Last evaluated 2012-10-04.

Conditions:
Hyperekplexia 3 (HKPX3). Also called: HYPEREKPLEXIA 3, AUTOSOMAL RECESSIVE; HYPEREKPLEXIA 3, AUTOSOMAL DOMINANT. Identifiers: Orphanet 3197, MedGen C3553288, MONDO:0013827, OMIM 614618.

Allele frequency attached by ClinVar (database versions not stated): gnomAD exomes below 0.00001.
gnomAD v4.1: 8 of 1,614,226 alleles (0.0005%); highest among the groups gnomAD compares: Non-Finnish European, 0.00042%; no homozygotes.

Submissions (2):

GeneReviews
Classification: Pathogenic for Hyperekplexia. Last evaluated: 2012-10-04. Review status: no assertion criteria provided. Collection method: curation. Allele origin: unknown.
ClinVar note: Converted during submission from pathologic to Pathogenic.

OMIM
Classification: Pathogenic for HYPEREKPLEXIA 3, AUTOSOMAL DOMINANT. Last evaluated: 2006-07-01. Review status: no assertion criteria provided. Collection method: literature only. Allele origin: germline.

Literature cited by the submitters: PubMed 16751771 (cited by OMIM).